The following is an entry in ClinVar:

ClinVar aggregate classification (germline): Conflicting classifications of pathogenicity. Review status: criteria provided, conflicting classifications (1 of 4 stars). 6 submissions from 5 submitters: Uncertain significance (1); Benign (2); Likely benign (3). Last evaluated 2026-01-07.

Conditions:
Supravalvar aortic stenosis (SVAS). Also called: Supravalvar aortic stenosis, Eisenberg type. Identifiers: Orphanet 3193, MedGen C0003499, MONDO:0008504, OMIM 185500, HP:0004381.
Cutis laxa, autosomal dominant 1 (ADCL1). Also called: ELN-Related Cutis Laxa. Identifiers: Orphanet 90348, MedGen C3276539, MONDO:0007411, OMIM 123700. Disease mechanism: Dominant Negative.

Allele frequency attached by ClinVar (database versions not stated): 1000 Genomes Project 30x 0.00016; 1000 Genomes Project 0.00020; ESP Exome Variant Server 0.00031; gnomAD 0.00049 and 0.00053; TOPMed 0.00071.
gnomAD v4.1: 989 of 1,613,912 alleles (0.061%); highest among the groups gnomAD compares: Admixed American, 0.095%; no homozygotes.

Submissions (6):

Labcorp Genetics (formerly Invitae), Labcorp
Classification: Benign for Supravalvar aortic stenosis. Last evaluated: 2026-01-07. Review status: criteria provided, single submitter. Criteria: Invitae Variant Classification Sherloc (09022015). Collection method: clinical testing. Allele origin: germline.

Blueprint Genetics
Classification: Likely benign. Last evaluated: 2024-11-22. Review status: criteria provided, single submitter. Criteria: ACMG Guidelines, 2015. Collection method: clinical testing. Allele origin: germline.

GeneDx
Classification: Likely benign. Last evaluated: 2021-01-18. Review status: criteria provided, single submitter. Criteria: GeneDx Variant Classification Process June 2021. Collection method: clinical testing. Allele origin: germline. Affected: yes.

Illumina Laboratory Services, Illumina
Classification: Benign for Cutis laxa, autosomal dominant 1. Last evaluated: 2018-01-13. Review status: criteria provided, single submitter. Criteria: ICSL Variant Classification Criteria 13 December 2019. Collection method: clinical testing. Allele origin: germline.
Comment: This variant was observed in the ICSL laboratory as part of a predisposition screen in an ostensibly healthy population. It had not been previously curated by ICSL or reported in the Human Gene Mutation Database (HGMD: prior to June 1st, 2018), and was therefore a candidate for classification through an automated scoring system. Utilizing variant allele frequency, disease prevalence and penetrance estimates, and inheritance mode, an automated score was calculated to assess if this variant is too frequent to cause the disease. Based on the score and internal cut-off values, a variant classified as benign is not then subjected to further curation. The score for this variant resulted in a classification of benign for this disease.

Illumina Laboratory Services, Illumina
Classification: Likely benign for Supravalvar aortic stenosis. Last evaluated: 2018-01-13. Review status: criteria provided, single submitter. Criteria: ICSL Variant Classification Criteria 13 December 2019. Collection method: clinical testing. Allele origin: germline.
Comment: This variant was observed in the ICSL laboratory as part of a predisposition screen in an ostensibly healthy population. It had not been previously curated by ICSL or reported in the Human Gene Mutation Database (HGMD: prior to June 1st, 2018), and was therefore a candidate for classification through an automated scoring system. Utilizing variant allele frequency, disease prevalence and penetrance estimates, and inheritance mode, an automated score was calculated to assess if this variant is too frequent to cause the disease. Based on the score and internal cut-off values, a variant classified as likely benign is not then subjected to further curation. The score for this variant resulted in a classification of likely benign for this disease.

Eurofins Ntd Llc (ga)
Classification: Uncertain significance. Last evaluated: 2015-09-22. Review status: criteria provided, single submitter. Criteria: EGL Classification Definitions 2015. Collection method: clinical testing. Allele origin: germline. Observed: 1 variant allele, 1 heterozygote.

NM_000501.4(ELN):c.470-10C>G

Gene: ELN (elastin; plus strand). Cytogenetic location: 7q11.23.
Variant type: single nucleotide variant.
Coding change: c.470-10C>G on transcript NM_000501.4 (MANE Select); 10 bases into the intron before coding-DNA position 470, C replaced by G.
Molecular consequence: intron variant.
Genome position (GRCh38, 1-based): chr7:74,045,212, C>G. VCF-style: chr7-74045212-C-G. GRCh37 (hg19) VCF-style: chr7-73459542-C-G.
Other names: c.485-10C>G (NM_001081754.3, NM_001081753.3); c.470-10C>G (NM_001278939.2, NM_001278915.2, NM_001278912.2 and 2 more transcripts); c.434-10C>G (NM_001278913.2); c.455-10C>G (NM_001278914.2); c.440-10C>G (NM_001278917.2, NM_001081752.3); c.439+1292C>G (NM_001278918.2).
Identifiers: ClinVar variation 283421 (VCV000283421.19), dbSNP rs200663056, ClinGen allele CA4292514.